The following is an entry in ClinVar:

NM_002473.6(MYH9):c.5800del (p.Met1934fs)

Gene: MYH9 (myosin heavy chain 9; minus strand). Cytogenetic location: 22q12.3.
Variant type: Deletion.
Coding change: c.5800del on transcript NM_002473.6 (MANE Select); coding-DNA position 5800, one base deleted (A; older notation c.5800delA).
Protein change: p.Met1934fs; shifts the reading frame from methionine 1934.
Molecular consequence: frameshift variant.
Genome position (GRCh38, 1-based): chr22:36,282,751, T deleted on the plus strand (A on the coding strand, the reverse complement: MYH9 is on the minus strand); the first of 2 consecutive T bases (chr22:36,282,751-36,282,752); deleting either gives the same sequence. VCF-style (leftmost placement, unchanged base first): chr22-36282750-AT-A. GRCh37 (hg19) VCF-style: chr22-36678796-AT-A.
Other names: short protein forms M1934fs.
Identifiers: ClinVar variation 623111 (VCV000623111.3), dbSNP rs1603482652, ClinGen allele CA915951361.

ClinVar aggregate classification (germline): Likely pathogenic (1 of 4 stars; one submission).

Conditions:
MYH9-related disorder. Identifiers: MedGen C1854520.

Submission:

NIHR Bioresource Rare Diseases, University of Cambridge
Classification: Likely pathogenic for MYH9-related disorder. Last evaluated: 2018-12-12. Review status: criteria provided, single submitter. Criteria: ACMG Guidelines, 2015. Collection method: research. Allele origin: unknown. Inheritance: Autosomal dominant inheritance. Affected: yes. Observed: 1 heterozygote.
Comment: PS4, #PM4, PM2, PM1, PP4